The following is an entry in ClinVar:

NM_001184880.2(PCDH19):c.-47C>T

Gene: PCDH19 (protocadherin 19; minus strand). Cytogenetic location: Xq22.1.
Variant type: single nucleotide variant.
Coding change: c.-47C>T on transcript NM_001184880.2 (MANE Select); 47 bases upstream of the start codon, C replaced by T.
Molecular consequence: 5 prime UTR variant.
Genome position (GRCh38, 1-based): chrX:100,408,644, G>A on the plus strand (C>T on the coding strand, the complement: PCDH19 is on the minus strand). VCF-style: chrX-100408644-G-A. GRCh37 (hg19) VCF-style: chrX-99663642-G-A.
Other names: c.-47C>T (NM_001105243.2, NM_020766.3).
Identifiers: ClinVar variation 388526 (VCV000388526.1), dbSNP rs1057523140, ClinGen allele CA16609109.
Genomic context (GRCh38, chrX:100,408,644, plus strand): 5'-AGGAGCGACTCCATGGCTGCACGGGGCTCTGCCTGGCCTCGCCTCTCCACACCCCTCCGA[G>A]ACCGACGCCGTCGGCGCTCCAGCTTCCCGCCGGCTCGGGCCGCCTGTTGCGCGCGCCCCG-3'

ClinVar aggregate classification (germline): Likely benign (1 of 4 stars; one submission).

Allele frequency attached by ClinVar (database versions not stated): gnomAD exomes 0.00001; TOPMed 0.00001; gnomAD 0.00002.
gnomAD v4.1: 9 of 1,033,017 alleles (0.00087%); highest among the groups gnomAD compares: Admixed American, 0.0026%; no homozygotes.

Submission:

GeneDx
Classification: Likely benign. Last evaluated: 2016-08-10. Review status: criteria provided, single submitter. Criteria: GeneDx Variant Classification (06012015). Collection method: clinical testing. Allele origin: germline. Affected: yes.
Comment: This variant is considered likely benign or benign based on one or more of the following criteria: it is a conservative change, it occurs at a poorly conserved position in the protein, it is predicted to be benign by multiple in silico algorithms, and/or has population frequency not consistent with disease.